The following is an entry in ClinVar:

NM_004385.5(VCAN):c.9782C>T (p.Ala3261Val)

Gene: VCAN (versican; plus strand). Cytogenetic location: 5q14.3.
Variant type: single nucleotide variant.
Coding change: c.9782C>T on transcript NM_004385.5 (MANE Select); coding-DNA position 9782, C replaced by T.
Protein change: p.Ala3261Val; replaces alanine 3261 with valine.
Molecular consequence: missense variant.
Genome position (GRCh38, 1-based): chr5:83,572,462, C>T. VCF-style: chr5-83572462-C-T. GRCh37 (hg19) VCF-style: chr5-82868281-C-T.
Other names: c.1559C>T, p.Ala520Val (NM_001126336.3); c.6821C>T, p.Ala2274Val (NM_001164097.2); c.4520C>T, p.Ala1507Val (NM_001164098.2); short protein forms A1507V, A2274V, A520V, A3261V.
Identifiers: ClinVar variation 1400687 (VCV001400687.6), dbSNP rs1320916138, ClinGen allele CA360298640.
Genomic context (GRCh38, chr5:83,572,462, plus strand): 5'-CTCCATTTTTACAGCAATACGAGAATTGGAGACCCAACCAGCCAGACAGCTTCTTTTCTG[C>T]TGGAGAAGACTGTGTTGTAATCATTTGGCATGAGAATGGCCAGTGGAATGATGTTCCCTG-3'
Protein context (NP_004376.2, residues 3251-3271): RPNQPDSFFS[Ala3261Val]GEDCVVIIWH

ClinVar aggregate classification (germline): Uncertain significance (1 of 4 stars; one submission).

Allele frequency attached by ClinVar (database versions not stated): gnomAD exomes below 0.00001; gnomAD 0.00001; TOPMed 0.00002.
gnomAD v4.1: 4 of 1,613,814 alleles (0.00025%); highest among the groups gnomAD compares: East Asian, 0.0022%; no homozygotes.

Submission:

Labcorp Genetics (formerly Invitae), Labcorp
Classification: Uncertain significance. Last evaluated: 2022-07-27. Review status: criteria provided, single submitter. Criteria: Invitae Variant Classification Sherloc (09022015). Collection method: clinical testing. Allele origin: germline.
Comment: In summary, the available evidence is currently insufficient to determine the role of this variant in disease. Therefore, it has been classified as a Variant of Uncertain Significance. Algorithms developed to predict the effect of missense changes on protein structure and function are either unavailable or do not agree on the potential impact of this missense change (SIFT: "Deleterious"; PolyPhen-2: "Possibly Damaging"; Align-GVGD: "Class C0"). ClinVar contains an entry for this variant (Variation ID: 1400687). This variant has not been reported in the literature in individuals affected with VCAN-related conditions. This variant is present in population databases (no rsID available, gnomAD 0.003%). This sequence change replaces alanine, which is neutral and non-polar, with valine, which is neutral and non-polar, at codon 3261 of the VCAN protein (p.Ala3261Val).